The following is an entry in ClinVar:

NM_000238.4(KCNH2):c.1142del (p.Gly381fs)

Gene: KCNH2 (potassium voltage-gated channel subfamily H member 2; minus strand). Cytogenetic location: 7q36.1.
Variant type: Deletion.
Coding change: c.1142del on transcript NM_000238.4 (MANE Select); coding-DNA position 1142, one base deleted (G; older notation c.1142delG).
Protein change: p.Gly381fs; shifts the reading frame from glycine 381.
Molecular consequence: frameshift variant.
Genome position (GRCh38, 1-based): chr7:150,952,840, C deleted on the plus strand (G on the coding strand, the reverse complement: KCNH2 is on the minus strand); the first of 3 consecutive C bases (chr7:150,952,840-150,952,842); deleting any one gives the same sequence. VCF-style (leftmost placement, unchanged base first): chr7-150952839-GC-G. GRCh37 (hg19) VCF-style: chr7-150649927-GC-G.
Other names: c.1142delG (NM_000238.3); c.122del, p.Gly41fs (NM_001204798.2, NM_172057.3); c.852delG, p.Gly285Alafs (NM_001406753.1, NM_001406756.1); c.963delG, p.Gly322Alafs (NM_001406755.1); c.840delG, p.Gly281Alafs (NM_001406757.1); c.1140delG, p.Gly381Alafs (NM_172056.3); short protein forms G41fs, G381fs.
Identifiers: ClinVar variation 200785 (VCV000200785.6), dbSNP rs794728497, ClinGen allele CA004244.

ClinVar aggregate classification (germline): Pathogenic. Review status: criteria provided, multiple submitters, no conflicts (2 of 4 stars). 2 submissions from 2 submitters: Pathogenic (2). Last evaluated 2018-10-02.

Conditions:
Cardiac arrhythmia. Also called: Arrhythmia; Cardiac rhythm disease. Identifiers: MedGen C0003811, MONDO:0007263, HP:0011675.
Cardiovascular phenotype. Identifiers: MedGen CN230736.

Submissions (2):

Ambry Genetics
Classification: Pathogenic for Cardiovascular phenotype. Last evaluated: 2018-10-02. Review status: criteria provided, single submitter. Criteria: Ambry Variant Classification Scheme 2023. Collection method: clinical testing. Allele origin: germline.
Comment: The c.1142delG pathogenic mutation, located in coding exon 6 of the KCNH2 gene, results from a deletion of one nucleotide at nucleotide position 1142, causing a translational frameshift with a predicted alternate stop codon (p.G381Afs*53). This alteration is expected to result in loss of function by premature protein truncation or nonsense-mediated mRNA decay. As such, this alteration is interpreted as a disease-causing mutation.

GeneDx
Classification: Pathogenic for Cardiac arrhythmia. Last evaluated: 2011-08-16. Review status: criteria provided, single submitter. Criteria: GeneDx Variant Classification (06012015). Collection method: clinical testing. Allele origin: germline. Affected: yes.
Comment: The c.1142delG mutation in the KCNH2 gene causes a shift in reading frame at codon Glycine 381, changing it to an Alanine, and creates a premature Stop codon at position 53 of the new reading frame, denoted p.Gly381AlafsX53. Although this mutation has not been reported previously to our knowledge, it is expected to result in an abnormal, truncated protein or in absence of protein from this allele due to mRNA decay, and therefore is interpreted to be a disease-causing mutation. The variant is found in LQT panel(s).